The following is an entry in ClinVar:

ClinVar aggregate classification (germline): Benign (1 of 4 stars; one submission).

Conditions:
Pheochromocytoma/paraganglioma syndrome 5. Also called: Paragangliomas 5; SDHA-Related Hereditary Paraganglioma-Pheochromocytoma Syndrome. Identifiers: Orphanet 29072, MedGen C3279992, MONDO:0013602, OMIM 614165.

Submission:

Myriad Genetics, Inc.
Classification: Benign for Pheochromocytoma/paraganglioma syndrome 5. Last evaluated: 2025-03-11. Review status: criteria provided, single submitter. Criteria: Myriad Autosomal Dominant, Autosomal Recessive and X-Linked Classification Criteria (2023). Collection method: clinical testing. Allele origin: unknown.
Comment: This variant is considered benign. This variant is a silent/synonymous amino acid change and it is not expected to impact splicing.

NM_004168.4(SDHA):c.1929_1932delinsTGTA (p.Pro643_Val644=)

Gene: SDHA (succinate dehydrogenase complex flavoprotein subunit A; plus strand). Cytogenetic location: 5p15.33.
Variant type: Indel.
Coding change: c.1929_1932delinsTGTA on transcript NM_004168.4 (MANE Select); coding-DNA positions 1929 to 1932, CGTG replaced by TGTA.
Protein change: p.Pro643_Val644=.
Molecular consequence: synonymous variant.
Genome position (GRCh38, 1-based): chr5:256,354-256,357, CGTG replaced by TGTA. VCF-style: chr5-256354-CGTG-TGTA. GRCh37 (hg19) VCF-style: chr5-256469-CGTG-TGTA.
Other names: c.1785_1788delinsTGTA, p.Pro595_Val596= (NM_001294332.2); c.1686_1689delinsTGTA, p.Pro562_Val563= (NM_001330758.2).
Identifiers: ClinVar variation 3904376 (VCV003904376.1).